The following is an entry in ClinVar:

NM_001080414.4(CCDC88C):c.5101C>T (p.Arg1701Ter)

Gene: CCDC88C (coiled-coil and HOOK domain protein 88C; minus strand). Cytogenetic location: 14q32.11.
Variant type: single nucleotide variant.
Coding change: c.5101C>T on transcript NM_001080414.4 (MANE Select); coding-DNA position 5101, C replaced by T.
Protein change: p.Arg1701Ter; replaces arginine 1701 with a stop codon.
Molecular consequence: nonsense.
Genome position (GRCh38, 1-based): chr14:91,273,611, G>A on the plus strand (C>T on the coding strand, the complement: CCDC88C is on the minus strand). VCF-style: chr14-91273611-G-A. GRCh37 (hg19) VCF-style: chr14-91739955-G-A.
Other names: short protein forms R1701*.
Identifiers: ClinVar variation 2957330 (VCV002957330.4), dbSNP rs1475150514, ClinGen allele CA390610874.
Genomic context (GRCh38, chr14:91,273,611, plus strand): 5'-CTTCTTTCTTGGCAGGTGGTCCTGGTTGGCCTCCGATGGCTGGGGGATCGCTGGCCTTTC[G>A]GAAGTAGTCACTCAGCAGGTCATCCCGGCAACTGGGAGTGTCCTACGGAGAAGAGAGTGA-3'

ClinVar aggregate classification (germline): Pathogenic/Likely pathogenic. Review status: criteria provided, multiple submitters, no conflicts (2 of 4 stars). 2 submissions from 2 submitters: Pathogenic (1); Likely pathogenic (1). Last evaluated 2024-06-17.

Conditions:
Spinocerebellar ataxia type 40. Identifiers: Orphanet 423275, MedGen C4518336, MONDO:0014475, OMIM 616053.
Hydrocephalus, nonsyndromic, autosomal recessive 1 (HYC1). Also called: Hydrocephalus, nonsyndromic, autosomal recessive; Congenital hydrocephalus 1. Identifiers: Orphanet 2185, MedGen C3887608, MONDO:0009360, OMIM 236600.

Allele frequency attached by ClinVar (database versions not stated): gnomAD 0.00001; TOPMed 0.00001.
gnomAD v4.1: 8 of 1,492,536 alleles (0.00054%); highest among the groups gnomAD compares: African/African-American, 0.0028%; no homozygotes.

Submissions (2):

Fulgent Genetics
Classification: Likely pathogenic for Hydrocephalus, nonsyndromic, autosomal recessive 1; Spinocerebellar ataxia type 40. Last evaluated: 2024-06-17. Review status: criteria provided, single submitter. Criteria: ACMG Guidelines, 2015. Collection method: clinical testing. Allele origin: germline.

Labcorp Genetics (formerly Invitae), Labcorp
Classification: Pathogenic. Last evaluated: 2023-10-06. Review status: criteria provided, single submitter. Criteria: Invitae Variant Classification Sherloc (09022015). Collection method: clinical testing. Allele origin: germline.
Comment: This sequence change creates a premature translational stop signal (p.Arg1701*) in the CCDC88C gene. While this is not anticipated to result in nonsense mediated decay, it is expected to disrupt the last 328 amino acid(s) of the CCDC88C protein. This variant is not present in population databases (gnomAD no frequency). This variant has not been reported in the literature in individuals affected with CCDC88C-related conditions. This variant disrupts a region of the CCDC88C protein in which other variant(s) (p.Glu1949Glyfs*26) have been determined to be pathogenic (PMID: 23042809). This suggests that this is a clinically significant region of the protein, and that variants that disrupt it are likely to be disease-causing. For these reasons, this variant has been classified as Pathogenic.

Literature cited by the submitters: PubMed 23042809 (cited by Labcorp Genetics (formerly Invitae), Labcorp).